The following is an entry in ClinVar:

NM_031418.4(ANO3):c.2051C>G (p.Pro684Arg)

Gene: ANO3 (anoctamin 3; plus strand). Cytogenetic location: 11p14.2.
Variant type: single nucleotide variant.
Coding change: c.2051C>G on transcript NM_031418.4 (MANE Select); coding-DNA position 2051, C replaced by G.
Protein change: p.Pro684Arg; replaces proline 684 with arginine.
Molecular consequence: missense variant.
Genome position (GRCh38, 1-based): chr11:26,639,151, C>G. VCF-style: chr11-26639151-C-G. GRCh37 (hg19) VCF-style: chr11-26660698-C-G.
Other names: c.2234C>G, p.Pro745Arg (NM_001313726.2); c.1613C>G, p.Pro538Arg (NM_001313727.2); short protein forms P538R, P684R, P745R.
Identifiers: ClinVar variation 1721550 (VCV001721550.6), dbSNP rs2538999332, ClinGen allele CA379935644.
Genomic context (GRCh38, chr11:26,639,151, plus strand): 5'-GAGCCTACTGGGAAGAAGACCAATATCATTATTGCTCTTATGTTCTATTTCAGTGTCATC[C>G]TAGTGGCTGTTTGATAGACCTCTGCCTCCAGATGGGTGTCATCATGTTTTTGAAGCAAAT-3'
Protein context (NP_113606.2, residues 674-694): FDRWRLEECH[Pro684Arg]SGCLIDLCLQ

ClinVar aggregate classification (germline): Uncertain significance (1 of 4 stars; one submission).

Conditions:
Dystonic disorder. Also called: Dystonia. Identifiers: MedGen C0013421, MONDO:0003441, HP:0001332.

Submission:

Labcorp Genetics (formerly Invitae), Labcorp
Classification: Uncertain significance for Dystonic disorder. Last evaluated: 2022-11-03. Review status: criteria provided, single submitter. Criteria: Invitae Variant Classification Sherloc (09022015). Collection method: clinical testing. Allele origin: germline.
Comment: In summary, the available evidence is currently insufficient to determine the role of this variant in disease. Therefore, it has been classified as a Variant of Uncertain Significance. Advanced modeling of protein sequence and biophysical properties (such as structural, functional, and spatial information, amino acid conservation, physicochemical variation, residue mobility, and thermodynamic stability) performed at Invitae indicates that this missense variant is expected to disrupt ANO3 protein function. This variant has not been reported in the literature in individuals affected with ANO3-related conditions. This variant is not present in population databases (gnomAD no frequency). This sequence change replaces proline, which is neutral and non-polar, with arginine, which is basic and polar, at codon 684 of the ANO3 protein (p.Pro684Arg).